The following is an entry in ClinVar:

NM_152281.3(GORAB):c.409A>G (p.Lys137Glu)

Gene: GORAB (golgin, RAB6 interacting; plus strand). Cytogenetic location: 1q24.2.
Variant type: single nucleotide variant.
Coding change: c.409A>G on transcript NM_152281.3 (MANE Select); coding-DNA position 409, A replaced by G.
Protein change: p.Lys137Glu; replaces lysine 137 with glutamic acid.
Molecular consequence: missense variant. On other transcripts: 5 prime UTR variant (1), non-coding transcript variant (1).
Genome position (GRCh38, 1-based): chr1:170,539,557, A>G. VCF-style: chr1-170539557-A-G. GRCh37 (hg19) VCF-style: chr1-170508698-A-G.
Other names: c.409A>G, p.Lys137Glu (NM_001146039.2); c.-57A>G (NM_001320252.2); short protein forms K137E.
Identifiers: ClinVar variation 1484834 (VCV001484834.6), dbSNP rs2101821379, ClinGen allele CA343163144.

ClinVar aggregate classification (germline): Uncertain significance (1 of 4 stars; one submission).

Allele frequency attached by ClinVar (database versions not stated): gnomAD exomes below 0.00001.
gnomAD v4.1: 3 of 1,614,040 alleles (0.00019%); highest among the groups gnomAD compares: Non-Finnish European, 0.00025%; no homozygotes.

Submission:

Labcorp Genetics (formerly Invitae), Labcorp
Classification: Uncertain significance. Last evaluated: 2022-08-16. Review status: criteria provided, single submitter. Criteria: Invitae Variant Classification Sherloc (09022015). Collection method: clinical testing. Allele origin: germline.
Comment: In summary, the available evidence is currently insufficient to determine the role of this variant in disease. Therefore, it has been classified as a Variant of Uncertain Significance. Algorithms developed to predict the effect of missense changes on protein structure and function (SIFT, PolyPhen-2, Align-GVGD) all suggest that this variant is likely to be tolerated. ClinVar contains an entry for this variant (Variation ID: 1484834). This variant has not been reported in the literature in individuals affected with GORAB-related conditions. This variant is not present in population databases (gnomAD no frequency). This sequence change replaces lysine, which is basic and polar, with glutamic acid, which is acidic and polar, at codon 162 of the GORAB protein (p.Lys162Glu).